The following is an entry in ClinVar:

NM_000900.5(MGP):c.*538C>G

Genes: MGP (matrix Gla protein; minus strand), LOC126861465 (CDK7 strongly-dependent group 2 enhancer GRCh37_chr12:15033676-15034875; plus strand). Cytogenetic location: 12p12.3.
Variant type: single nucleotide variant.
Coding change: c.*538C>G on transcript NM_000900.5 (MANE Select); 538 bases downstream of the stop codon, C replaced by G.
Molecular consequence: 3 prime UTR variant.
Genome position (GRCh38, 1-based): chr12:14,881,601, G>C on the plus strand (C>G on the coding strand, the complement: MGP is on the minus strand). VCF-style: chr12-14881601-G-C. GRCh37 (hg19) VCF-style: chr12-15034535-G-C.
Other names: c.*538C>G (NM_001190839.3).
Identifiers: ClinVar variation 307760 (VCV000307760.5), dbSNP rs139069321, ClinGen allele CA10640558.
Genomic context (GRCh38, chr12:14,881,601, plus strand): 5'-TTCTCTTTTCCTTTTCCTCCTTTTTTCTCTTCTAGATTATCTTGATTCAGAAATGTTTTT[G>C]ACTTTGATGCATAAGAGATGAAAAGCAAATGAAGGGAGCCCTGTATTTGCCACAATTTAC-3'

ClinVar aggregate classification (germline): Likely benign (1 of 4 stars; one submission).

Conditions:
Keutel syndrome (KTLS). Identifiers: Orphanet 85202, MedGen C1855607, MONDO:0009495, OMIM 245150.

Allele frequency attached by ClinVar (database versions not stated): 1000 Genomes Project 0.00260; gnomAD 0.00273; 1000 Genomes Project 30x 0.00297; TOPMed 0.00332.

Submission:

Illumina Laboratory Services, Illumina
Classification: Likely benign for Keutel syndrome. Last evaluated: 2018-01-12. Review status: criteria provided, single submitter. Criteria: ICSL Variant Classification Criteria 13 December 2019. Collection method: clinical testing. Allele origin: germline.
Comment: This variant was observed in the ICSL laboratory as part of a predisposition screen in an ostensibly healthy population. It had not been previously curated by ICSL or reported in the Human Gene Mutation Database (HGMD: prior to June 1st, 2018), and was therefore a candidate for classification through an automated scoring system. Utilizing variant allele frequency, disease prevalence and penetrance estimates, and inheritance mode, an automated score was calculated to assess if this variant is too frequent to cause the disease. Based on the score and internal cut-off values, a variant classified as likely benign is not then subjected to further curation. The score for this variant resulted in a classification of likely benign for this disease.